The following is an entry in ClinVar:

ClinVar aggregate classification (germline): Pathogenic (0 of 4 stars; one submission).

Conditions:
Retinitis pigmentosa 19 (RP19). Also called: ABCA4-Related Retinitis Pigmentosa. Identifiers: Orphanet 791, MedGen C1866422, MONDO:0011137, OMIM 601718.

Submission:

Wuhan Primbio Medical Laboratory
Classification: Pathogenic for Retinitis pigmentosa 19. Last evaluated: 2023-11-10. Review status: no assertion criteria provided. Collection method: clinical testing. Allele origin: paternal. Affected: yes. Observed: 1 variant allele.
Comment: This sequence change creates a premature translational stop signal (p.Ser1096Glufs*78) in the ABCA4 gene. It is expected to result in an absent or disrupted protein product. This variant is not present in population databases (ExAC no frequency). This variant has not been reported in the literature in individuals with ABCA4-related conditions. Loss-of-function variants in ABCA4 are known to be pathogenic (PMID: 10958761, 24938718, 25312043, 26780318). For these reasons, this variant has been classified as Pathogenic.

NM_000350.3(ABCA4):c.3286_3287del (p.Ser1096fs)

Gene: ABCA4 (ATP binding cassette subfamily A member 4; minus strand). Cytogenetic location: 1p22.1.
Variant type: Deletion.
Coding change: c.3286_3287del on transcript NM_000350.3 (MANE Select); coding-DNA positions 3286 to 3287, 2 bases deleted (TC; older notation c.3286_3287delTC).
Protein change: p.Ser1096fs; shifts the reading frame from serine 1096.
Molecular consequence: frameshift variant.
Genome position (GRCh38, 1-based): chr1:94,042,802-94,042,803, GA deleted on the plus strand (TC on the coding strand, the reverse complement: ABCA4 is on the minus strand); deleting any 2 consecutive bases within chr1:94,042,802-94,042,804 gives the same sequence; the c. name uses the placement nearest the transcript's 3' end. VCF-style (leftmost placement, unchanged base first): chr1-94042801-CGA-C. GRCh37 (hg19) VCF-style: chr1-94508357-CGA-C.
Other names: c.3063_3064delCT, p.Ser1022Glufs (NM_001425324.1); short protein forms S1096fs.
Identifiers: ClinVar variation 2664261 (VCV002664261.2), dbSNP rs2523771540, ClinGen allele CA2695198062.
Genomic context (GRCh38, chr1:94,042,801, plus strand): 5'-GACTGAGCAGCAGCTGTTACCTGAGCGATACTTCAGGAGCAGATCCCAGATTGAGCGTCT[CGA>C]GTAAGGGTCCACCCCAGAGGTGGGTTCGTCCAGAATCACCACCTTGGCATCTCCCACAAA-3'